The following is an entry in ClinVar:

ClinVar aggregate classification (germline): Pathogenic (1 of 4 stars; one submission).

Submission:

Labcorp Genetics (formerly Invitae), Labcorp
Classification: Pathogenic. Last evaluated: 2022-03-08. Review status: criteria provided, single submitter. Criteria: Invitae Variant Classification Sherloc (09022015). Collection method: clinical testing. Allele origin: germline.
Comment: Algorithms developed to predict the effect of sequence changes on RNA splicing suggest that this variant may disrupt the consensus splice site. This variant has not been reported in the literature in individuals affected with EYS-related conditions. This variant is not present in population databases (gnomAD no frequency). This sequence change inserts a large fragment of DNA, likely a transposable element, in exon 32 of the EYS gene (c.6552_6553ins?), causing a frameshift at codon 2185 (p.Asn2185fs). The exact size and sequence of the insertion cannot be determined by the current assay. However, the insertion is expected to result in an absent or disrupted protein product. Retrotransposon insertions including LINE1 (L1), Alu, and SVA (SINE-VNTR-Alu) have been reported to be disease-causing through disruption of either a coding region or splice site (PMID: 19763152, 20307669, 22406018) and loss-of-function variants in EYS are known to be pathogenic (PMID: 18836446, 20333770). For these reasons, this variant has been classified as Pathogenic.

Literature cited by the submitters: PubMed 19763152; PubMed 20307669; PubMed 22406018; PubMed 18836446; PubMed 20333770.

NM_001142800.2(EYS):c.6552_6553insGGCCGGGCGCGGTGGCTCACGCCTGTAATCCCAGCACTTTGGGAGGCCGAGGCGGGTGGATCATGAGGTCANNNNNNNNNNAAAAAAAAAAAAAAAAAAAAAAAAACAAACAGTTTA (p.Asn2185delinsGlyArgAlaArgTrpLeuThrProValIleProAlaLeuTrpGluAlaGluAlaGlyGlySerTer)

Gene: EYS (EGF-like photoreceptor maintenance factor; minus strand). Cytogenetic location: 6q12.
Variant type: Insertion.
Coding change: c.6552_6553insGGCCGGGCGCGGTGGCTCACGCCTGTAATCCCAGCACTTTGGGAGGCCGAGGCGGGTGGATCATGAGGTCANNNNNNNNNNAAAAAAAAAAAAAAAAAAAAAAAAACAAACAGTTTA on transcript NM_001142800.2 (MANE Select); coding-DNA positions 6552 to 6553, GGCCGGGCGCGGTGGCTCACGCCTGTAATCCCAGCACTTTGGGAGGCCGAGGCGGGTGGATCATGAGGTCANNNNNNNNNNAAAAAAAAAAAAAAAAAAAAAAAAACAAACAGTTTA inserted.
Protein change: p.Asn2185delinsGlyArgAlaArgTrpLeuThrProValIleProAlaLeuTrpGluAlaGluAlaGlyGlySerTer.
Molecular consequence: nonsense.
Genome position: GRCh38: chr6:64,081,890-64,081,891. GRCh37 (hg19): chr6:64,791,783-64,791,784.
Other names: c.6552_6553insGGCCGGGCGCGGTGGCTCACGCCTGTAATCCCAGCACTTTGGGAGGCCGAGGCGGGTGGATCATGAGGTCANNNNNNNNNNAAAAAAAAAAAAAAAAAAAAAAAAACAAACAGTTTA, p.Asn2185delinsGlyArgAlaArgTrpLeuThrProValIleProAlaLeuTrpGluAlaGluAlaGlyGlySerTer (NM_001292009.2).
Identifiers: ClinVar variation 2031914 (VCV002031914.4), dbSNP rs2533588295.